The following is an entry in ClinVar:

NM_032447.5(FBN3):c.2779G>T (p.Gly927Trp)

Gene: FBN3 (fibrillin 3; minus strand). Cytogenetic location: 19p13.2.
Variant type: single nucleotide variant.
Coding change: c.2779G>T on transcript NM_032447.5 (MANE Select); coding-DNA position 2779, G replaced by T.
Protein change: p.Gly927Trp; replaces glycine 927 with tryptophan.
Molecular consequence: missense variant.
Genome position (GRCh38, 1-based): chr19:8,123,961, C>A on the plus strand (G>T on the coding strand, the complement: FBN3 is on the minus strand). VCF-style: chr19-8123961-C-A. GRCh37 (hg19) VCF-style: chr19-8188845-C-A.
Other names: c.2779G>T, p.Gly927Trp (NM_001321431.2); short protein forms G927W.
Identifiers: ClinVar variation 4769779 (VCV004769779.1).
Genomic context (GRCh38, chr19:8,123,961, plus strand): 5'-ACACGGCCCCGATGGAGCAGCAGCAGACGTCCATCCGGTACTTGCCAGGCAGGGTGACCC[C>A]ACACTCATCCTCATCCCATCGCAGGAAACATGGTTCCAATCTCACATCTGCACGGGGGAC-3'
Protein context (NP_115823.3, residues 917-937): CFLRWDEDEC[Gly927Trp]VTLPGKYRMD

ClinVar aggregate classification (germline): Uncertain significance (1 of 4 stars; one submission).

gnomAD v4.1: 5 of 1,614,044 alleles (0.00031%); highest among the groups gnomAD compares: Non-Finnish European, 0.00042%; no homozygotes.

Submission:

Labcorp Genetics (formerly Invitae), Labcorp
Classification: Uncertain significance. Last evaluated: 2025-11-25. Review status: criteria provided, single submitter. Criteria: Invitae Variant Classification Sherloc (09022015). Collection method: clinical testing. Allele origin: germline.
Comment: This sequence change replaces glycine, which is neutral and non-polar, with tryptophan, which is neutral and slightly polar, at codon 927 of the FBN3 protein (p.Gly927Trp). This variant is not present in population databases (gnomAD no frequency). This variant has not been reported in the literature in individuals affected with FBN3-related conditions. Invitae Evidence Modeling of protein sequence and biophysical properties (such as structural, functional, and spatial information, amino acid conservation, physicochemical variation, residue mobility, and thermodynamic stability) indicates that this missense variant is not expected to disrupt FBN3 protein function with a negative predictive value of 80%. In summary, the available evidence is currently insufficient to determine the role of this variant in disease. Therefore, it has been classified as a Variant of Uncertain Significance.